The following is an entry in ClinVar:

ClinVar aggregate classification (germline): Benign/Likely benign. Review status: criteria provided, multiple submitters, no conflicts (2 of 4 stars). 6 submissions from 5 submitters: Benign (4); Likely benign (2). Last evaluated 2023-11-22.

Conditions:
Cone-rod dystrophy 13 (CORD13). Identifiers: Orphanet 1872, MedGen C2750720, MONDO:0011987, OMIM 608194.
Leber congenital amaurosis 6 (LCA6). Identifiers: Orphanet 65, MedGen C1854260, MONDO:0013446, OMIM 613826.

Allele frequency attached by ClinVar (database versions not stated): gnomAD 0.01514 and 0.01626; 1000 Genomes Project 30x 0.01702; TOPMed 0.01728; ESP Exome Variant Server 0.01594; ExAC 0.00714; 1000 Genomes Project 0.01597; gnomAD exomes 0.00389.
gnomAD v4.1: 4,322 of 1,508,004 alleles (0.29%); highest among the groups gnomAD compares: African/African-American, 5.1%; 122 homozygotes.

Submissions (6):

ARUP Laboratories, Molecular Genetics and Genomics, ARUP Laboratories
Classification: Benign. Last evaluated: 2023-11-22. Review status: criteria provided, single submitter. Criteria: ARUP Molecular Germline Variant Investigation Process 2024. Collection method: clinical testing. Allele origin: germline.

GeneDx
Classification: Benign. Last evaluated: 2018-11-20. Review status: criteria provided, single submitter. Criteria: GeneDx Variant Classification (06012015). Collection method: clinical testing. Allele origin: germline. Affected: yes.

Illumina Laboratory Services, Illumina
Classification: Benign for Cone-rod dystrophy 13. Last evaluated: 2018-01-12. Review status: criteria provided, single submitter. Criteria: ICSL Variant Classification Criteria 13 December 2019. Collection method: clinical testing. Allele origin: germline.
Comment: This variant was observed in the ICSL laboratory as part of a predisposition screen in an ostensibly healthy population. It had not been previously curated by ICSL or reported in the Human Gene Mutation Database (HGMD: prior to June 1st, 2018), and was therefore a candidate for classification through an automated scoring system. Utilizing variant allele frequency, disease prevalence and penetrance estimates, and inheritance mode, an automated score was calculated to assess if this variant is too frequent to cause the disease. Based on the score and internal cut-off values, a variant classified as benign is not then subjected to further curation. The score for this variant resulted in a classification of benign for this disease.

Illumina Laboratory Services, Illumina
Classification: Likely benign for Leber congenital amaurosis 6. Last evaluated: 2018-01-12. Review status: criteria provided, single submitter. Criteria: ICSL Variant Classification Criteria 13 December 2019. Collection method: clinical testing. Allele origin: germline.
Comment: This variant was observed in the ICSL laboratory as part of a predisposition screen in an ostensibly healthy population. It had not been previously curated by ICSL or reported in the Human Gene Mutation Database (HGMD: prior to June 1st, 2018), and was therefore a candidate for classification through an automated scoring system. Utilizing variant allele frequency, disease prevalence and penetrance estimates, and inheritance mode, an automated score was calculated to assess if this variant is too frequent to cause the disease. Based on the score and internal cut-off values, a variant classified as likely benign is not then subjected to further curation. The score for this variant resulted in a classification of likely benign for this disease.

Breakthrough Genomics
Classification: Likely benign. Review status: criteria provided, single submitter. Criteria: ACMG Guidelines, 2015. Collection method: not provided. Allele origin: germline. Inheritance: Autosomal recessive inheritance. Affected: yes.

PreventionGenetics, part of Exact Sciences
Classification: Benign. Review status: criteria provided, single submitter. Criteria: ACMG Guidelines, 2015. Collection method: clinical testing. Allele origin: germline.

NM_020366.4(RPGRIP1):c.*10T>C

Gene: RPGRIP1 (RPGR interacting protein 1; plus strand). Cytogenetic location: 14q11.2.
Variant type: single nucleotide variant.
Coding change: c.*10T>C on transcript NM_020366.4 (MANE Select); 10 bases downstream of the stop codon, T replaced by C.
Molecular consequence: 3 prime UTR variant.
Genome position (GRCh38, 1-based): chr14:21,351,226, T>C. VCF-style: chr14-21351226-T-C. GRCh37 (hg19) VCF-style: chr14-21819385-T-C.
Other names: c.*10T>C (NM_001377523.1, NM_001377948.1, NM_001377949.1 and 2 more transcripts).
Identifiers: ClinVar variation 261225 (VCV000261225.17), dbSNP rs80191010, ClinGen allele CA7089629.